The following is an entry in ClinVar:

ClinVar aggregate classification (germline): Uncertain significance. Review status: criteria provided, multiple submitters, no conflicts (2 of 4 stars). 2 submissions from 2 submitters: Uncertain significance (2). Last evaluated 2025-08-02.

Conditions:
Hereditary cancer-predisposing syndrome. Also called: Neoplastic Syndromes, Hereditary; Hereditary neoplastic syndrome; Tumor predisposition; Hereditary Cancer Syndrome. Identifiers: Orphanet 140162, MedGen C0027672, MeSH D009386, MONDO:0015356.
Tuberous sclerosis 2 (TSC2). Identifiers: Orphanet 805, MedGen C1860707, MONDO:0013199, OMIM 613254.

Allele frequency attached by ClinVar (database versions not stated): gnomAD 0.00001.
gnomAD v4.1: 2 of 1,613,294 alleles (0.00012%); highest among the groups gnomAD compares: African/African-American, 0.0027%; no homozygotes.

Submissions (2):

Ambry Genetics
Classification: Uncertain significance for Hereditary cancer-predisposing syndrome. Last evaluated: 2025-08-02. Review status: criteria provided, single submitter. Criteria: Ambry Variant Classification Scheme 2023. Collection method: clinical testing. Allele origin: germline.
Comment: The p.M589L variant (also known as c.1765A>T), located in coding exon 16 of the TSC2 gene, results from an A to T substitution at nucleotide position 1765. The methionine at codon 589 is replaced by leucine, an amino acid with highly similar properties. This amino acid position is not well conserved in available vertebrate species. In addition, this alteration is predicted to be tolerated by in silico analysis. Since supporting evidence is limited at this time, the clinical significance of this alteration remains unclear.

Labcorp Genetics (formerly Invitae), Labcorp
Classification: Uncertain significance for Tuberous sclerosis 2. Last evaluated: 2023-10-18. Review status: criteria provided, single submitter. Criteria: Invitae Variant Classification Sherloc (09022015). Collection method: clinical testing. Allele origin: germline.
Comment: This sequence change replaces methionine, which is neutral and non-polar, with leucine, which is neutral and non-polar, at codon 589 of the TSC2 protein (p.Met589Leu). This variant is not present in population databases (gnomAD no frequency). This variant has not been reported in the literature in individuals affected with TSC2-related conditions. ClinVar contains an entry for this variant (Variation ID: 838978). Advanced modeling of protein sequence and biophysical properties (such as structural, functional, and spatial information, amino acid conservation, physicochemical variation, residue mobility, and thermodynamic stability) performed at Invitae indicates that this missense variant is not expected to disrupt TSC2 protein function. In summary, the available evidence is currently insufficient to determine the role of this variant in disease. Therefore, it has been classified as a Variant of Uncertain Significance.

NM_000548.5(TSC2):c.1765A>T (p.Met589Leu)

Gene: TSC2 (TSC complex subunit 2; plus strand). Cytogenetic location: 16p13.3.
Variant type: single nucleotide variant.
Coding change: c.1765A>T on transcript NM_000548.5 (MANE Select); coding-DNA position 1765, A replaced by T.
Protein change: p.Met589Leu; replaces methionine 589 with leucine.
Molecular consequence: missense variant.
Genome position (GRCh38, 1-based): chr16:2,070,504, A>T. VCF-style: chr16-2070504-A-T. GRCh37 (hg19) VCF-style: chr16-2120505-A-T.
Other names: c.1765A>T, p.Met589Leu (NM_001077183.3, NM_001114382.3, NM_001363528.2 and 3 more transcripts); c.1654A>T, p.Met552Leu (NM_001318827.2); c.1618A>T, p.Met540Leu (NM_001318829.2); c.1165A>T, p.Met389Leu (NM_001318831.2); c.1798A>T, p.Met600Leu (NM_001318832.2); short protein forms M540L, M589L, M600L, M389L, M552L.
Identifiers: ClinVar variation 838978 (VCV000838978.13), dbSNP rs1567457356, ClinGen allele CA394272872.